The following is an entry in ClinVar:

ClinVar aggregate classification (germline): Uncertain significance (1 of 4 stars; one submission).

Submission:

Ambry Genetics
Classification: Uncertain significance. Last evaluated: 2024-11-17. Review status: criteria provided, single submitter. Criteria: Ambry Variant Classification Scheme 2023. Collection method: clinical testing. Allele origin: germline.
Comment: The p.H109D variant (also known as c.325C>G), located in coding exon 2 of the GEN1 gene, results from a C to G substitution at nucleotide position 325. The histidine at codon 109 is replaced by aspartic acid, an amino acid with similar properties. This amino acid position is conserved. In addition, this alteration is predicted to be tolerated by in silico analysis. Based on the available evidence, the clinical significance of this variant remains unclear.

NM_001130009.3(GEN1):c.325C>G (p.His109Asp)

Gene: GEN1 (GEN1 Holliday junction 5' flap endonuclease; plus strand). Cytogenetic location: 2p24.2.
Variant type: single nucleotide variant.
Coding change: c.325C>G on transcript NM_001130009.3 (MANE Select); coding-DNA position 325, C replaced by G.
Protein change: p.His109Asp; replaces histidine 109 with aspartic acid.
Molecular consequence: missense variant.
Genome position (GRCh38, 1-based): chr2:17,761,559, C>G. VCF-style: chr2-17761559-C-G. GRCh37 (hg19) VCF-style: chr2-17942826-C-G.
Other names: c.325C>G, p.His109Asp (NM_182625.5); short protein forms H109D.
Identifiers: ClinVar variation 3519709 (VCV003519709.1).
Genomic context (GRCh38, chr2:17,761,559, plus strand): 5'-AGGAATCAGTCTCGGTATGGGTCTTCTGGAAAATCGTGGTCTCAGAAAACAGGGAGATCA[C>G]ATTTTAAATCAGTCTTAAGAGAGGTGAGCATTCAGATTTGATTCAGTAATTCCGATTTGA-3'
Protein context (NP_001123481.3, residues 99-119): KSWSQKTGRS[His109Asp]FKSVLRECLH